The following is an entry in ClinVar:

ClinVar aggregate classification (germline): Pathogenic. Review status: criteria provided, multiple submitters, no conflicts (2 of 4 stars). 6 submissions from 6 submitters: Pathogenic (5). 1 of the submissions does not count toward it. Last evaluated 2026-01-21.

Conditions:
Peroxisome biogenesis disorder type 3B. Identifiers: Orphanet 44, Orphanet 772, MedGen C3550693, MONDO:0009959, OMIM 266510.
Peroxisome biogenesis disorder 3A (Zellweger). Also called: PEROXISOMAL BIOGENESIS DISORDER 3A (ZELLWEGER); Peroxisome biogenesis disorder 3A. Identifiers: Orphanet 912, MedGen C3553929, MONDO:0013927, OMIM 614859.
Peroxisome biogenesis disorder. Identifiers: Orphanet 79189, MedGen C1832200, MONDO:0019234. Disease mechanism: loss of function.
PEX12-related disorder. Also called: PEX12-related condition; PEX12-related disorders.

Submissions (6):

Labcorp Genetics (formerly Invitae), Labcorp
Classification: Pathogenic for Peroxisome biogenesis disorder 3A (Zellweger). Last evaluated: 2026-01-21. Review status: criteria provided, single submitter. Criteria: Invitae Variant Classification Sherloc (09022015). Collection method: clinical testing. Allele origin: germline.
Comment: This sequence change creates a premature translational stop signal (p.Gln209*) in the PEX12 gene. It is expected to result in an absent or disrupted protein product. Loss-of-function variants in PEX12 are known to be pathogenic (PMID: 9090384, 9632816, 21031596). This variant is present in population databases (rs61752106, gnomAD 0.02%). This premature translational stop signal has been observed in individual(s) with Zellweger syndrome (PMID: 14571262). ClinVar contains an entry for this variant (Variation ID: 555548). For these reasons, this variant has been classified as Pathogenic.

PreventionGenetics, part of Exact Sciences
Classification: Pathogenic for PEX12-related condition. Last evaluated: 2025-01-28. Review status: criteria provided, single submitter. Criteria: ACMG Guidelines, 2015. Collection method: clinical testing. Allele origin: germline.
Comment: The PEX12 c.625C>T variant is predicted to result in premature protein termination (p.Gln209*). This variant was reported in an individual with peroxisome biogenesis disorder 3 (Gootjes et al. 2004. PubMed ID: 14571262). This variant is reported in 0.020% of alleles in individuals of Latino descent in gnomAD. Nonsense variants in PEX12 are expected to be pathogenic. This variant is interpreted as pathogenic.

Baylor Genetics
Classification: Pathogenic for Peroxisome biogenesis disorder 3A (Zellweger). Last evaluated: 2024-03-26. Review status: criteria provided, single submitter. Criteria: ACMG Guidelines, 2015. Collection method: clinical testing. Allele origin: unknown.

Fulgent Genetics
Classification: Pathogenic for Peroxisome biogenesis disorder type 3B; Peroxisome biogenesis disorder 3A (Zellweger). Last evaluated: 2021-09-21. Review status: criteria provided, single submitter. Criteria: ACMG Guidelines, 2015. Collection method: clinical testing. Allele origin: unknown.

Women's Health and Genetics/Laboratory Corporation of America, LabCorp
Classification: Pathogenic for Peroxisome biogenesis disorders, Zellweger syndrome spectrum. Last evaluated: 2018-08-13. Review status: criteria provided, single submitter. Criteria: LabCorp Variant Classification Summary - May 2015. Collection method: clinical testing. Allele origin: germline.
Comment: Variant summary: PEX12 c.625C>T (p.Gln209X) results in a premature termination codon, predicted to cause a truncation of the encoded protein or absence of the protein due to nonsense mediated decay, which are commonly known mechanisms for disease. Truncations downstream of this position have been classified as pathogenic by our laboratory (e.g., p.Leu245fsX19). The variant allele was found at a frequency of 2.8e-05 in 246262 control chromosomes. c.625C>T has been reported in the literature in individuals affected with Zellweger Syndrome. These data indicate that the variant may be associated with disease. At least one publication reports experimental evidence showing a reduction in PEX12 mRNA in patient fibroblasts, as well as <10% of normal activity in dihydroxyacetonephosphate acyltransferase (DHAPAT) activity (Gootjes_2004). One clinical diagnostic laboratory has submitted clinical-significance assessments for this variant to ClinVar after 2014 and classified the variant as likely pathogenic. Based on the evidence outlined above, the variant was classified as pathogenic.

Counsyl
Classification: Likely pathogenic for Peroxisome biogenesis disorder type 3B; Peroxisome biogenesis disorder 3A (Zellweger). Last evaluated: 2017-12-12. Review status: no assertion criteria provided. Collection method: clinical testing. Allele origin: unknown. Not counted in ClinVar's aggregate classification.

Literature cited by the submitters: PubMed 9090384 (cited by Labcorp Genetics (formerly Invitae), Labcorp); PubMed 9632816 (cited by Labcorp Genetics (formerly Invitae), Labcorp); PubMed 21031596 (cited by 3 submitters); PubMed 14571262 (cited by Labcorp Genetics (formerly Invitae), Labcorp and Counsyl); PubMed 14630978 (cited by Women's Health and Genetics/Laboratory Corporation of America, LabCorp); PubMed 15542397 (cited by Women's Health and Genetics/Laboratory Corporation of America, LabCorp).

NM_000286.3(PEX12):c.625C>T (p.Gln209Ter)

Gene: PEX12 (peroxisomal biogenesis factor 12; minus strand). Cytogenetic location: 17q12.
Variant type: single nucleotide variant.
Coding change: c.625C>T on transcript NM_000286.3 (MANE Select); coding-DNA position 625, C replaced by T.
Protein change: p.Gln209Ter; replaces glutamine 209 with a stop codon.
Molecular consequence: nonsense.
Genome position (GRCh38, 1-based): chr17:35,577,093, G>A on the plus strand (C>T on the coding strand, the complement: PEX12 is on the minus strand). VCF-style: chr17-35577093-G-A. GRCh37 (hg19) VCF-style: chr17-33904112-G-A.
Other names: short protein forms Q209*.
Identifiers: ClinVar variation 555548 (VCV000555548.16), dbSNP rs61752106, ClinGen allele CA8504880.
Genomic context (GRCh38, chr17:35,577,093, plus strand): 5'-CTTACCTCCTGGCTGGTTGCTGCATCATGCTGGCCTTAGCTGGTTTGTGCTCCAGAGCTT[G>A]TATATCCTGAACTGTCAGTCGACCTAGCTGAACTCCAGCCAGCCTCAGCAGTGGTGAGTG-3'